The following is an entry in ClinVar:

NM_006005.3(WFS1):c.1094T>C (p.Phe365Ser)

Gene: WFS1 (wolframin ER transmembrane glycoprotein; plus strand). Cytogenetic location: 4p16.1.
Variant type: single nucleotide variant.
Coding change: c.1094T>C on transcript NM_006005.3 (MANE Select); coding-DNA position 1094, T replaced by C.
Protein change: p.Phe365Ser; replaces phenylalanine 365 with serine.
Molecular consequence: missense variant.
Genome position (GRCh38, 1-based): chr4:6,300,889, T>C. VCF-style: chr4-6300889-T-C. GRCh37 (hg19) VCF-style: chr4-6302616-T-C.
Other names: c.1094T>C, p.Phe365Ser (NM_001145853.1); short protein forms F365S.
Identifiers: ClinVar variation 1800516 (VCV001800516.1), dbSNP rs2474192791, ClinGen allele CA356174242.
Genomic context (GRCh38, chr4:6,300,889, plus strand): 5'-TCCCGCTGGTCATCTTCTACCTGTCCTTCATCTCCATGGTGATCTGCACCCTCAAGGTGT[T>C]CCAGGACAGCAAGGCCTGGGAGAACTTCCGCACCCTCACCGACCTGCTGCTGCGCTTCGA-3'
Protein context (NP_005996.2, residues 355-375): ISMVICTLKV[Phe365Ser]QDSKAWENFR

ClinVar aggregate classification (germline): Uncertain significance (1 of 4 stars; one submission).

Allele frequency attached by ClinVar (database versions not stated): gnomAD exomes below 0.00001.
gnomAD v4.1: 1 of 1,614,118 alleles (0.000062%); highest among the groups gnomAD compares: South Asian, 0.0011%; no homozygotes.

Submission:

GeneDx
Classification: Uncertain significance. Last evaluated: 2022-05-20. Review status: criteria provided, single submitter. Criteria: GeneDx Variant Classification Process June 2021. Collection method: clinical testing. Allele origin: germline. Affected: yes.
Comment: Not observed at significant frequency in large population cohorts (gnomAD); In silico analysis supports that this missense variant has a deleterious effect on protein structure/function; Has not been previously published as pathogenic or benign to our knowledge